The following is an entry in ClinVar:

NM_000246.4(CIITA):c.3171C>T (p.Cys1057=)

Gene: CIITA (class II major histocompatibility complex transactivator; plus strand). Cytogenetic location: 16p13.13.
Variant type: single nucleotide variant.
Coding change: c.3171C>T on transcript NM_000246.4 (MANE Select); coding-DNA position 3171, C replaced by T.
Protein change: p.Cys1057=; no amino-acid change (cysteine 1057 retained).
Molecular consequence: synonymous variant. On other transcripts: non-coding transcript variant (1).
Genome position (GRCh38, 1-based): chr16:10,922,188, C>T. VCF-style: chr16-10922188-C-T. GRCh37 (hg19) VCF-style: chr16-11016045-C-T.
Other names: p.Cys1057=; c.3174C>T, p.Cys1058= (NM_001286402.1, NM_001379332.1); c.1419C>T, p.Cys473= (NM_001286403.2); c.3027C>T, p.Cys1009= (NM_001379330.1); c.3024C>T, p.Cys1008= (NM_001379331.1); c.3171C>T, p.Cys1057= (NM_001379333.1); c.3102C>T, p.Cys1034= (NM_001379334.1).
Identifiers: ClinVar variation 317725 (VCV000317725.24), dbSNP rs2229322, ClinGen allele CA7900713.
Genomic context (GRCh38, chr16:10,922,188, plus strand): 5'-AGGCCTCCAATCCCTCCCCCTGGCCTCTGTTTCCGACAGCTTGTACAATAACTGCATCTG[C>T]GACGTGGGAGCCGAGAGCTTGGCTCGTGTGCTTCCGGACATGGTGTCCCTCCGGGTGATG-3'
Protein context (NP_000237.2, residues 1047-1067): LRLSLYNNCI[Cys1057=]DVGAESLARV

ClinVar aggregate classification (germline): Benign/Likely benign. Review status: criteria provided, multiple submitters, no conflicts (2 of 4 stars). 8 submissions from 8 submitters: Benign (6); Likely benign (1). 1 of the submissions does not count toward it. Last evaluated 2026-02-04.

Conditions:
MHC class II deficiency. Also called: Bare lymphocyte syndrome 2; BLS, TYPE II. Identifiers: Orphanet 572, MedGen C5447452, MONDO:0008855.

Allele frequency attached by ClinVar (database versions not stated): gnomAD 0.09639 and 0.09666; ESP Exome Variant Server 0.09805; ExAC 0.10088; TOPMed 0.10158; gnomAD exomes 0.10309 and 0.10807; 1000 Genomes Project 30x 0.10400; 1000 Genomes Project 0.10483.
gnomAD v4.1: 173,215 of 1,613,726 alleles (11%); highest among the groups gnomAD compares: East Asian, 16%; 9,765 homozygotes.

Submissions (8):

Labcorp Genetics (formerly Invitae), Labcorp
Classification: Benign for MHC class II deficiency. Last evaluated: 2026-02-04. Review status: criteria provided, single submitter. Criteria: Invitae Variant Classification Sherloc (09022015). Collection method: clinical testing. Allele origin: germline.

Women's Health and Genetics/Laboratory Corporation of America, LabCorp
Classification: Benign. Last evaluated: 2026-01-21. Review status: criteria provided, single submitter. Criteria: LabCorp Variant Classification Summary - May 2015. Collection method: clinical testing. Allele origin: germline.

Blueprint Genetics
Classification: Likely benign. Last evaluated: 2024-11-27. Review status: criteria provided, single submitter. Criteria: ACMG Guidelines, 2015. Collection method: clinical testing. Allele origin: germline.

Genome-Nilou Lab
Classification: Benign for MHC class II deficiency 1. Last evaluated: 2021-07-10. Review status: criteria provided, single submitter. Criteria: ACMG Guidelines, 2015. Collection method: clinical testing. Allele origin: germline. Affected: no.

Mayo Clinic Laboratories, Mayo Clinic
Classification: Benign. Last evaluated: 2018-03-21. Review status: criteria provided, single submitter. Criteria: ACMG Guidelines, 2015. Collection method: clinical testing. Allele origin: germline. Observed: 15 variant alleles.

Illumina Laboratory Services, Illumina
Classification: Benign for MHC class II deficiency 1. Last evaluated: 2018-01-12. Review status: criteria provided, single submitter. Criteria: ICSL Variant Classification Criteria 13 December 2019. Collection method: clinical testing. Allele origin: germline.
Comment: This variant was observed in the ICSL laboratory as part of a predisposition screen in an ostensibly healthy population. It had not been previously curated by ICSL or reported in the Human Gene Mutation Database (HGMD: prior to June 1st, 2018), and was therefore a candidate for classification through an automated scoring system. Utilizing variant allele frequency, disease prevalence and penetrance estimates, and inheritance mode, an automated score was calculated to assess if this variant is too frequent to cause the disease. Based on the score and internal cut-off values, a variant classified as benign is not then subjected to further curation. The score for this variant resulted in a classification of benign for this disease.

Breakthrough Genomics
Classification: Benign. Review status: criteria provided, single submitter. Criteria: ACMG Guidelines, 2015. Collection method: not provided. Allele origin: germline. Inheritance: Autosomal recessive inheritance. Affected: yes.

Natera, Inc.
Classification: Benign for Bare lymphocyte syndrome type II. Last evaluated: 2019-11-21. Review status: no assertion criteria provided. Collection method: clinical testing. Allele origin: germline. Not counted in ClinVar's aggregate classification.